The following is an entry in ClinVar:

NM_024818.6(UBA5):c.563G>T (p.Arg188Leu)

Genes: NPHP3-ACAD11 (NPHP3-ACAD11 readthrough (NMD candidate); minus strand), UBA5 (ubiquitin like modifier activating enzyme 5; plus strand). Cytogenetic location: 3q22.1.
Variant type: single nucleotide variant.
Coding change: c.563G>T on transcript NM_024818.6 (MANE Select); coding-DNA position 563, G replaced by T.
Protein change: p.Arg188Leu; replaces arginine 188 with leucine.
Molecular consequence: missense variant.
Genome position (GRCh38, 1-based): chr3:132,671,033, G>T. VCF-style: chr3-132671033-G-T. GRCh37 (hg19) VCF-style: chr3-132389877-G-T.
Other names: c.395G>T, p.Arg132Leu (NM_001320210.2, NM_198329.4); c.293G>T, p.Arg98Leu (NM_001321238.2); c.227G>T, p.Arg76Leu (NM_001321239.1); short protein forms R188L, R76L, R132L, R98L.
Identifiers: ClinVar variation 1386138 (VCV001386138.6), dbSNP rs368103311, ClinGen allele CA354573841.

ClinVar aggregate classification (germline): Uncertain significance (1 of 4 stars; one submission).

gnomAD v4.1: 2 of 1,613,010 alleles (0.00012%); highest among the groups gnomAD compares: Non-Finnish European, 0.00017%; no homozygotes.

Submission:

Labcorp Genetics (formerly Invitae), Labcorp
Classification: Uncertain significance. Last evaluated: 2023-11-27. Review status: criteria provided, single submitter. Criteria: Invitae Variant Classification Sherloc (09022015). Collection method: clinical testing. Allele origin: germline.
Comment: This sequence change replaces arginine with leucine at codon 188 of the UBA5 protein (p.Arg188Leu). The arginine residue is highly conserved and there is a moderate physicochemical difference between arginine and leucine. This variant is present in population databases (no rsID available, gnomAD 0.0009%). This variant has not been reported in the literature in individuals affected with UBA5-related conditions. ClinVar contains an entry for this variant (Variation ID: 1386138). Advanced modeling of protein sequence and biophysical properties (such as structural, functional, and spatial information, amino acid conservation, physicochemical variation, residue mobility, and thermodynamic stability) performed at Invitae indicates that this missense variant is expected to disrupt UBA5 protein function with a positive predictive value of 80%. In summary, the available evidence is currently insufficient to determine the role of this variant in disease. Therefore, it has been classified as a Variant of Uncertain Significance.